The following is an entry in ClinVar:

ClinVar aggregate classification (germline): Likely benign. Review status: criteria provided, multiple submitters, no conflicts (2 of 4 stars). 3 submissions from 3 submitters: Likely benign (3). Last evaluated 2025-04-07.

Conditions:
RYR1-related disorder. Also called: RYR1-related condition; RYR1-related disorders. Identifiers: MedGen CN239331.
Malignant hyperthermia, susceptibility to, 1 (MHS1). Also called: Malignant hyperthermia suceptibility 1; RYR1-Related Malignant Hyperthermia Susceptibility; Anesthesia related hyperthermia; Malignant hyperpyrexia; Fulminating hyperpyrexia; Pharmacogenic myopathy. Identifiers: Orphanet 423, MedGen C2930980, MONDO:0007783, OMIM 145600.

Allele frequency attached by ClinVar (database versions not stated): TOPMed 0.00002; gnomAD exomes 0.00006; ExAC 0.00008.
gnomAD v4.1: 24 of 1,556,094 alleles (0.0015%); highest among the groups gnomAD compares: East Asian, 0.022%; no homozygotes.

Submissions (3):

Labcorp Genetics (formerly Invitae), Labcorp
Classification: Likely benign for RYR1-related disorder. Last evaluated: 2025-04-07. Review status: criteria provided, single submitter. Criteria: Invitae Variant Classification Sherloc (09022015). Collection method: clinical testing. Allele origin: germline.

All of Us Research Program, National Institutes of Health
Classification: Likely benign for Malignant hyperthermia, susceptibility to, 1. Last evaluated: 2023-09-17. Review status: criteria provided, single submitter. Criteria: ACMG Guidelines, 2015. Collection method: clinical testing. Allele origin: germline. Inheritance: Autosomal dominant inheritance. Observed: 3 variant alleles, 3 heterozygotes.
Comment: This study involves interpretation of variants in research participants for the purpose of population health screening. Participant phenotype was not available at the time of variant classification. Additional details can be found in publication PMID: 35346344, PMCID: PMC8962531

Color Diagnostics, LLC DBA Color Health
Classification: Likely benign for Malignant hyperthermia, susceptibility to, 1. Last evaluated: 2022-11-06. Review status: criteria provided, single submitter. Criteria: ACMG Guidelines, 2015. Collection method: clinical testing. Allele origin: germline.

NM_000540.3(RYR1):c.3156C>T (p.Ile1052=)

Gene: RYR1 (ryanodine receptor 1; plus strand). Cytogenetic location: 19q13.2.
Variant type: single nucleotide variant.
Coding change: c.3156C>T on transcript NM_000540.3 (MANE Select); coding-DNA position 3156, C replaced by T.
Protein change: p.Ile1052=; no amino-acid change (isoleucine 1052 retained).
Molecular consequence: synonymous variant.
Genome position (GRCh38, 1-based): chr19:38,466,376, C>T. VCF-style: chr19-38466376-C-T. GRCh37 (hg19) VCF-style: chr19-38957016-C-T.
Other names: c.3156C>T, p.Ile1052= (NM_001042723.2).
Identifiers: ClinVar variation 702677 (VCV000702677.9), dbSNP rs368131832, ClinGen allele CA064467.